The following is an entry in ClinVar:

NM_001684.5(ATP2B4):c.283G>A (p.Glu95Lys)

Gene: ATP2B4 (ATPase plasma membrane Ca2+ transporting 4; plus strand). Cytogenetic location: 1q32.1.
Variant type: single nucleotide variant.
Coding change: c.283G>A on transcript NM_001684.5 (MANE Select); coding-DNA position 283, G replaced by A.
Protein change: p.Glu95Lys; replaces glutamic acid 95 with lysine.
Molecular consequence: missense variant.
Genome position (GRCh38, 1-based): chr1:203,698,246, G>A. VCF-style: chr1-203698246-G-A. GRCh37 (hg19) VCF-style: chr1-203667374-G-A.
Other names: c.283G>A, p.Glu95Lys (NM_001001396.3, NM_001365783.2, NM_001365784.2); short protein forms E95K.
Identifiers: ClinVar variation 4740208 (VCV004740208.1).
Genomic context (GRCh38, chr1:203,698,246, plus strand): 5'-AAACGTAGGCAGGTGTTTGGACACAACGTGATCCCCCCCAAAAAGCCCAAGACTTTCTTA[G>A]AATTAGTGTGGGAAGCTCTTCAAGATGTCACGCTTATCATCCTGGAGATTGCAGCCATCA-3'
Protein context (NP_001675.3, residues 85-105): IPPKKPKTFL[Glu95Lys]LVWEALQDVT

ClinVar aggregate classification (germline): Uncertain significance (1 of 4 stars; one submission).

gnomAD v4.1: 1 of 1,614,214 alleles (0.000062%); highest among the groups gnomAD compares: Non-Finnish European, 0.000085%; no homozygotes.

Submission:

Labcorp Genetics (formerly Invitae), Labcorp
Classification: Uncertain significance. Last evaluated: 2025-02-26. Review status: criteria provided, single submitter. Criteria: Invitae Variant Classification Sherloc (09022015). Collection method: clinical testing. Allele origin: germline.
Comment: This sequence change replaces glutamic acid, which is acidic and polar, with lysine, which is basic and polar, at codon 95 of the ATP2B4 protein (p.Glu95Lys). This variant is not present in population databases (gnomAD no frequency). This variant has not been reported in the literature in individuals affected with ATP2B4-related conditions. Invitae Evidence Modeling of protein sequence and biophysical properties (such as structural, functional, and spatial information, amino acid conservation, physicochemical variation, residue mobility, and thermodynamic stability) indicates that this missense variant is not expected to disrupt ATP2B4 protein function with a negative predictive value of 80%. In summary, the available evidence is currently insufficient to determine the role of this variant in disease. Therefore, it has been classified as a Variant of Uncertain Significance.